The following is an entry in ClinVar:

NM_021625.5(TRPV4):c.718A>T (p.Thr240Ser)

Gene: TRPV4 (transient receptor potential cation channel subfamily V member 4; minus strand). Cytogenetic location: 12q24.11.
Variant type: single nucleotide variant.
Coding change: c.718A>T on transcript NM_021625.5 (MANE Select); coding-DNA position 718, A replaced by T.
Protein change: p.Thr240Ser; replaces threonine 240 with serine.
Molecular consequence: missense variant. On other transcripts: intron variant (2).
Genome position (GRCh38, 1-based): chr12:109,800,753, T>A on the plus strand (A>T on the coding strand, the complement: TRPV4 is on the minus strand). VCF-style: chr12-109800753-T-A. GRCh37 (hg19) VCF-style: chr12-110238558-T-A.
Other names: c.616A>T, p.Thr206Ser (NM_001177431.2); c.718A>T, p.Thr240Ser (NM_147204.3); c.713-1841A>T (NM_001177433.1, NM_001177428.1); short protein forms T206S, T240S.
Identifiers: ClinVar variation 2906710 (VCV002906710.3), dbSNP rs758194039, ClinGen allele CA6780443.

ClinVar aggregate classification (germline): Uncertain significance (1 of 4 stars; one submission).

Conditions:
Charcot-Marie-Tooth disease axonal type 2C (HMSN2C). Also called: CHARCOT-MARIE-TOOTH DISEASE, AXONAL, AUTOSOMAL DOMINANT, TYPE 2C; Charcot-Marie-Tooth Neuropathy Type 2C; Charcot-Marie-Tooth Disease Type 2, TRPV4-Related (CMT2C). Identifiers: Orphanet 99937, MedGen C1853710, MONDO:0011633, OMIM 606071.

Allele frequency attached by ClinVar (database versions not stated): gnomAD exomes below 0.00001; TOPMed below 0.00001; ExAC 0.00001.

Submission:

Labcorp Genetics (formerly Invitae), Labcorp
Classification: Uncertain significance for Charcot-Marie-Tooth disease axonal type 2C. Last evaluated: 2023-06-02. Review status: criteria provided, single submitter. Criteria: Invitae Variant Classification Sherloc (09022015). Collection method: clinical testing. Allele origin: germline.
Comment: In summary, the available evidence is currently insufficient to determine the role of this variant in disease. Therefore, it has been classified as a Variant of Uncertain Significance. Advanced modeling of protein sequence and biophysical properties (such as structural, functional, and spatial information, amino acid conservation, physicochemical variation, residue mobility, and thermodynamic stability) performed at Invitae indicates that this missense variant is not expected to disrupt TRPV4 protein function. This variant has not been reported in the literature in individuals affected with TRPV4-related conditions. This variant is present in population databases (rs758194039, gnomAD 0.002%). This sequence change replaces threonine, which is neutral and polar, with serine, which is neutral and polar, at codon 240 of the TRPV4 protein (p.Thr240Ser).